The following is an entry in ClinVar:

NM_003403.5(YY1):c.407C>T (p.Pro136Leu)

Gene: YY1 (YY1 transcription factor; plus strand). Cytogenetic location: 14q32.2.
Variant type: single nucleotide variant.
Coding change: c.407C>T on transcript NM_003403.5 (MANE Select); coding-DNA position 407, C replaced by T.
Protein change: p.Pro136Leu; replaces proline 136 with leucine.
Molecular consequence: missense variant.
Genome position (GRCh38, 1-based): chr14:100,239,651, C>T. VCF-style: chr14-100239651-C-T. GRCh37 (hg19) VCF-style: chr14-100705988-C-T.
Other names: short protein forms P136L.
Identifiers: ClinVar variation 4756040 (VCV004756040.1).
Genomic context (GRCh38, chr14:100,239,651, plus strand): 5'-ACGACTCGGACGGGCTGCGCGCCGAGGACGGCTTCGAGGATCAGATTCTCATCCCGGTGC[C>T]CGCGCCGGCCGGCGGCGACGACGACTACATTGAACAAACGCTGGTCACCGTGGCGGCGGC-3'
Protein context (NP_003394.1, residues 126-146): GFEDQILIPV[Pro136Leu]APAGGDDDYI

ClinVar aggregate classification (germline): Uncertain significance (1 of 4 stars; one submission).

Submission:

GeneDx
Classification: Uncertain significance. Last evaluated: 2025-08-05. Review status: criteria provided, single submitter. Criteria: GeneDx Variant Classification Process June 2021. Collection method: clinical testing. Allele origin: germline. Affected: yes.
Comment: Not observed at significant frequency in large population cohorts (gnomAD); In silico analysis supports that this missense variant has a deleterious effect on protein structure/function; Has not been previously published as pathogenic or benign to our knowledge